The following is an entry in ClinVar:

NM_002529.4(NTRK1):c.140del (p.Gly47fs)

Gene: NTRK1 (neurotrophic receptor tyrosine kinase 1; plus strand). Cytogenetic location: 1q23.1.
Variant type: Deletion.
Coding change: c.140del on transcript NM_002529.4 (MANE Select); coding-DNA position 140, one base deleted (G; older notation c.140delG).
Protein change: p.Gly47fs; shifts the reading frame from glycine 47.
Molecular consequence: frameshift variant. On other transcripts: intron variant (1).
Genome position (GRCh38, 1-based): chr1:156,861,074, G deleted; the last of 3 consecutive G bases (chr1:156,861,072-156,861,074); deleting any one gives the same sequence. VCF-style (leftmost placement, unchanged base first): chr1-156861071-CG-C. GRCh37 (hg19) VCF-style: chr1-156830863-CG-C.
Other names: c.140delG, p.Gly47Aspfs (NM_001007204.1, NM_001012331.1); c.140del, p.Gly47fs (NM_001012331.2); c.123-3280del (NM_001007792.1); c.140del (NM_001012331.1); short protein forms G47fs.
Identifiers: ClinVar variation 2149124 (VCV002149124.5), dbSNP rs1558095864, ClinGen allele CA526673686.

ClinVar aggregate classification (germline): Pathogenic. Review status: criteria provided, multiple submitters, no conflicts (2 of 4 stars). 2 submissions from 2 submitters: Pathogenic (2). Last evaluated 2026-04-06.

Conditions:
Hereditary insensitivity to pain with anhidrosis (CIPA). Also called: INSENSITIVITY TO PAIN, CONGENITAL, WITH ANHIDROSIS; FAMILIAL DYSAUTONOMIA, TYPE II; NEUROPATHY, CONGENITAL SENSORY, WITH ANHIDROSIS; HSAN Type IV; hereditary sensory and autonomic neuropathy type 4; NTRK1 Congenital Insensitivity to Pain with Anhidrosis. Identifiers: Orphanet 642, MedGen C0020074, MONDO:0009746, OMIM 256800.

Submissions (2):

GeneDx
Classification: Pathogenic. Last evaluated: 2026-04-06. Review status: criteria provided, single submitter. Criteria: GeneDx Variant Classification Process June 2021. Collection method: clinical testing. Allele origin: germline.
Comment: Frameshift variant predicted to result in protein truncation or nonsense mediated decay in a gene for which loss of function is a known mechanism of disease; Not observed at significant frequency in large population cohorts (gnomAD); Has not been previously published as pathogenic or benign to our knowledge

Labcorp Genetics (formerly Invitae), Labcorp
Classification: Pathogenic for Hereditary insensitivity to pain with anhidrosis. Last evaluated: 2022-05-19. Review status: criteria provided, single submitter. Criteria: Invitae Variant Classification Sherloc (09022015). Collection method: clinical testing. Allele origin: germline.
Comment: For these reasons, this variant has been classified as Pathogenic. This variant has not been reported in the literature in individuals affected with NTRK1-related conditions. This variant is present in population databases (no rsID available, gnomAD 0.01%). This sequence change creates a premature translational stop signal (p.Gly47Aspfs*22) in the NTRK1 gene. It is expected to result in an absent or disrupted protein product. Loss-of-function variants in NTRK1 are known to be pathogenic (PMID: 10982191).

Literature cited by the submitters: PubMed 10982191 (cited by Labcorp Genetics (formerly Invitae), Labcorp).